The following is an entry in ClinVar:

ClinVar aggregate classification (germline): Likely benign. Review status: criteria provided, single submitter (1 of 4 stars). 2 submissions from 2 submitters: Likely benign (1). 1 of the submissions does not count toward it. Last evaluated 2024-11-15.

Conditions:
TNIK-related disorder. Also called: TNIK-related condition.

Submissions (2):

Blueprint Genetics
Classification: Likely benign. Last evaluated: 2024-11-15. Review status: criteria provided, single submitter. Criteria: ACMG Guidelines, 2015. Collection method: clinical testing. Allele origin: germline.

PreventionGenetics, part of Exact Sciences
Classification: Likely benign for TNIK-related condition. Last evaluated: 2019-06-27. Review status: no assertion criteria provided. Collection method: clinical testing. Allele origin: germline. Not counted in ClinVar's aggregate classification.
Comment: This variant is classified as likely benign based on ACMG/AMP sequence variant interpretation guidelines (Richards et al. 2015 PMID: 25741868, with internal and published modifications).

NM_015028.4(TNIK):c.1609-14_1609-10del

Gene: TNIK (TRAF2 and NCK interacting kinase; minus strand). Cytogenetic location: 3q26.2.
Variant type: Deletion.
Coding change: c.1609-14_1609-10del on transcript NM_015028.4 (MANE Select); 14 bases into the intron before coding-DNA position 1609 through 10 bases into the intron before coding-DNA position 1609, 5 bases deleted (TTTTT; older notation c.1609-14_1609-10delTTTTT).
Molecular consequence: intron variant.
Genome position (GRCh38, 1-based): chr3:171,128,888-171,128,892, AAAAA deleted on the plus strand (TTTTT on the coding strand, the reverse complement: TNIK is on the minus strand); deleting any 5 consecutive bases within chr3:171,128,888-171,128,907 gives the same sequence; the c. name uses the placement nearest the transcript's 3' end. VCF-style (leftmost placement, unchanged base first): chr3-171128887-CAAAAA-C. GRCh37 (hg19) VCF-style: chr3-170846676-CAAAAA-C.
Other names: c.1522-2741_1522-2737del (NM_001161566.3, NM_001161565.3); c.1522-14_1522-10del (NM_001161562.3, NM_001161561.3); c.1609-2741_1609-2737del (NM_001161564.3, NM_001161563.3); c.1609-14_1609-10del (NM_001161560.3).
Identifiers: ClinVar variation 3034468 (VCV003034468.3), dbSNP rs59293515, ClinGen allele CA1056324371.